The following is an entry in ClinVar:

NM_003809.3(TNFSF12):c.130T>G (p.Leu44Val)

Genes: TNFSF12 (TNF superfamily member 12; plus strand), TNFSF12-TNFSF13 (TNFSF12-TNFSF13 readthrough; plus strand). Cytogenetic location: 17p13.1.
Variant type: single nucleotide variant.
Coding change: c.130T>G on transcript NM_003809.3 (MANE Select); coding-DNA position 130, T replaced by G.
Protein change: p.Leu44Val; replaces leucine 44 with valine.
Molecular consequence: missense variant. On other transcripts: non-coding transcript variant (1).
Genome position (GRCh38, 1-based): chr17:7,549,283, T>G. VCF-style: chr17-7549283-T-G. GRCh37 (hg19) VCF-style: chr17-7452600-T-G.
Other names: c.130T>G, p.Leu44Val (NM_172089.4); short protein forms L44V.
Identifiers: ClinVar variation 3716109 (VCV003716109.2).

ClinVar aggregate classification (germline): Uncertain significance (1 of 4 stars; one submission).

Conditions:
Common variable immunodeficiency (CVID). Also called: Common variable hypogamma-globulinemia; Common variable agammaglobulinemia. Identifiers: Orphanet 1572, MedGen C0009447, MONDO:0015517.

gnomAD v4.1: 2 of 1,397,680 alleles (0.00014%); highest among the groups gnomAD compares: African/African-American, 0.003%; no homozygotes.

Submission:

Labcorp Genetics (formerly Invitae), Labcorp
Classification: Uncertain significance for Common variable immunodeficiency. Last evaluated: 2025-03-12. Review status: criteria provided, single submitter. Criteria: Invitae Variant Classification Sherloc (09022015). Collection method: clinical testing. Allele origin: germline.
Comment: This sequence change replaces leucine, which is neutral and non-polar, with valine, which is neutral and non-polar, at codon 44 of the TNFSF12 protein (p.Leu44Val). This variant is present in population databases (rs749973779, gnomAD 0.02%). This variant has not been reported in the literature in individuals affected with TNFSF12-related conditions. Experimental studies and prediction algorithms are not available or were not evaluated, and the functional significance of this variant is currently unknown. In summary, the available evidence is currently insufficient to determine the role of this variant in disease. Therefore, it has been classified as a Variant of Uncertain Significance.